The following is an entry in ClinVar:

NM_001080421.3(UNC13A):c.4721T>C (p.Ile1574Thr)

Gene: UNC13A (unc-13 homolog A; minus strand). Cytogenetic location: 19p13.11.
Variant type: single nucleotide variant.
Coding change: c.4721T>C on transcript NM_001080421.3 (MANE Select); coding-DNA position 4721, T replaced by C.
Protein change: p.Ile1574Thr; replaces isoleucine 1574 with threonine.
Molecular consequence: missense variant.
Genome position (GRCh38, 1-based): chr19:17,610,030, A>G on the plus strand (T>C on the coding strand, the complement: UNC13A is on the minus strand). VCF-style: chr19-17610030-A-G. GRCh37 (hg19) VCF-style: chr19-17720839-A-G.
Other names: c.4709T>C, p.Ile1570Thr (NM_001387021.1); c.4706T>C, p.Ile1569Thr (NM_001387022.1); c.4640T>C, p.Ile1547Thr (NM_001387023.1); short protein forms I1547T, I1569T, I1570T, I1574T.
Identifiers: ClinVar variation 4536473 (VCV004536473.1).
Genomic context (GRCh38, chr19:17,610,030, plus strand): 5'-CAGCTATTGTTCTTGGATTTGGTCGCAAACTTGCGTTTCTTGTCGCTGAGCTGGGGCCCA[A>G]TGATGTTGACCTCGATGAACGGCCGGAAGATGCCAGAAGTCTGCCACTTGAGGTCATTGG-3'
Protein context (NP_001073890.2, residues 1564-1584): IFRPFIEVNI[Ile1574Thr]GPQLSDKKRK

ClinVar aggregate classification (germline): Uncertain significance (1 of 4 stars; one submission).

gnomAD v4.1: 1 of 1,614,020 alleles (0.000062%); highest among the groups gnomAD compares: Non-Finnish European, 0.000085%; no homozygotes.

Submission:

GeneDx
Classification: Uncertain significance. Last evaluated: 2025-06-02. Review status: criteria provided, single submitter. Criteria: GeneDx Variant Classification Process June 2021. Collection method: clinical testing. Allele origin: germline. Affected: yes.
Comment: Not observed at significant frequency in large population cohorts (gnomAD); In silico analysis supports that this missense variant has a deleterious effect on protein structure/function; Has not been previously published as pathogenic or benign to our knowledge